The following is an entry in ClinVar:

ClinVar aggregate classification (germline): Uncertain significance (1 of 4 stars; one submission).

Allele frequency attached by ClinVar (database versions not stated): gnomAD 0.00001 and 0.00002; ExAC 0.00002; gnomAD exomes 0.00002; TOPMed 0.00002.
gnomAD v4.1: 32 of 1,613,810 alleles (0.002%); highest among the groups gnomAD compares: South Asian, 0.0055%; no homozygotes.

Submission:

Labcorp Genetics (formerly Invitae), Labcorp
Classification: Uncertain significance. Last evaluated: 2022-04-24. Review status: criteria provided, single submitter. Criteria: Invitae Variant Classification Sherloc (09022015). Collection method: clinical testing. Allele origin: germline.
Comment: This variant is present in population databases (rs751407265, gnomAD 0.006%). This sequence change replaces alanine, which is neutral and non-polar, with threonine, which is neutral and polar, at codon 609 of the CEP250 protein (p.Ala609Thr). This variant has not been reported in the literature in individuals affected with CEP250-related conditions. In summary, the available evidence is currently insufficient to determine the role of this variant in disease. Therefore, it has been classified as a Variant of Uncertain Significance. Algorithms developed to predict the effect of missense changes on protein structure and function are either unavailable or do not agree on the potential impact of this missense change (SIFT: "Not Available"; PolyPhen-2: "Probably Damaging"; Align-GVGD: "Not Available").

NM_007186.6(CEP250):c.1825G>A (p.Ala609Thr)

Genes: CEP250 (centrosomal protein 250; plus strand), CEP250-AS1 (CEP250 antisense RNA 1; minus strand). Cytogenetic location: 20q11.22.
Variant type: single nucleotide variant.
Coding change: c.1825G>A on transcript NM_007186.6 (MANE Select); coding-DNA position 1825, G replaced by A.
Protein change: p.Ala609Thr; replaces alanine 609 with threonine.
Molecular consequence: missense variant. On other transcripts: 5 prime UTR variant (1).
Genome position (GRCh38, 1-based): chr20:35,476,557, G>A. VCF-style: chr20-35476557-G-A. GRCh37 (hg19) VCF-style: chr20-34064382-G-A.
Other names: c.-75G>A (NM_001318219.1); short protein forms A609T.
Identifiers: ClinVar variation 1460604 (VCV001460604.6), dbSNP rs751407265, ClinGen allele CA9833035.